The following is an entry in ClinVar:

ClinVar aggregate classification (germline): Uncertain significance (1 of 4 stars; one submission).

Conditions:
Hereditary cancer-predisposing syndrome. Also called: Neoplastic Syndromes, Hereditary; Tumor predisposition; Hereditary Cancer Syndrome; Hereditary neoplastic syndrome. Identifiers: Orphanet 140162, MedGen C0027672, MeSH D009386, MONDO:0015356.

Submission:

Ambry Genetics
Classification: Uncertain significance for Hereditary cancer-predisposing syndrome. Last evaluated: 2026-06-03. Review status: criteria provided, single submitter. Criteria: Ambry Variant Classification Scheme 2023. Collection method: clinical testing. Allele origin: germline.
Comment: The p.L574S variant (also known as c.1721T>C), located in coding exon 11 of the NBN gene, results from a T to C substitution at nucleotide position 1721. The leucine at codon 574 is replaced by serine, an amino acid with dissimilar properties. This amino acid position is conserved. In addition, this alteration is predicted to be tolerated by in silico analysis. Based on the available evidence, the clinical significance of this variant remains unclear.

NM_002485.5(NBN):c.1721T>C (p.Leu574Ser)

Gene: NBN (nibrin; minus strand). Cytogenetic location: 8q21.3.
Variant type: single nucleotide variant.
Coding change: c.1721T>C on transcript NM_002485.5 (MANE Select); coding-DNA position 1721, T replaced by C.
Protein change: p.Leu574Ser; replaces leucine 574 with serine.
Molecular consequence: missense variant.
Genome position (GRCh38, 1-based): chr8:89,953,368, A>G on the plus strand (T>C on the coding strand, the complement: NBN is on the minus strand). VCF-style: chr8-89953368-A-G. GRCh37 (hg19) VCF-style: chr8-90965596-A-G.
Other names: c.1475T>C, p.Leu492Ser (NM_001024688.3, NM_001440379.1, NM_001440380.1); short protein forms L492S, L574S.
Identifiers: ClinVar variation 4860762 (VCV004860762.1).